The following is an entry in ClinVar:

NM_001174150.2(ARL13B):c.195T>G (p.Phe65Leu)

Gene: ARL13B (ARF like GTPase 13B; plus strand). Cytogenetic location: 3q11.2.
Variant type: single nucleotide variant.
Coding change: c.195T>G on transcript NM_001174150.2 (MANE Select); coding-DNA position 195, T replaced by G.
Protein change: p.Phe65Leu; replaces phenylalanine 65 with leucine.
Molecular consequence: missense variant. On other transcripts: 5 prime UTR variant (1), intron variant (1).
Genome position (GRCh38, 1-based): chr3:94,003,723, T>G. VCF-style: chr3-94003723-T-G. GRCh37 (hg19) VCF-style: chr3-93722567-T-G.
Other names: c.195T>G (NM_182896.2); c.-115T>G (NM_001174151.2); c.150T>G, p.Phe50Leu (NM_001321328.2); c.195T>G, p.Phe65Leu (NM_182896.3); c.59+23241T>G (NM_144996.4); short protein forms F50L, F65L.
Identifiers: ClinVar variation 1523161 (VCV001523161.9), dbSNP rs776646616, ClinGen allele CA2503809.
Genomic context (GRCh38, chr3:94,003,723, plus strand): 5'-CCCTGAAGATGTAGCTCCTACTGTTGGATTTTCAAAAATTAACCTTAGACAAGGAAAGTT[T>G]GAAGTCACCATCTTTGACTTGGGAGGTGGAATAAGAATTCGGGGAATCTGGAAGAATTAC-3'
Protein context (NP_001167621.1, residues 55-75): FSKINLRQGK[Phe65Leu]EVTIFDLGGG

ClinVar aggregate classification (germline): Uncertain significance. Review status: criteria provided, multiple submitters, no conflicts (2 of 4 stars). 2 submissions from 2 submitters: Uncertain significance (2). Last evaluated 2024-06-07.

Conditions:
Inborn genetic diseases. Identifiers: MedGen C0950123, MeSH D030342.
Joubert syndrome 8 (JBTS8). Identifiers: Orphanet 475, MedGen C2676771, MONDO:0012855, OMIM 612291.

Allele frequency attached by ClinVar (database versions not stated): ExAC 0.00001; gnomAD 0.00001; gnomAD exomes 0.00001; TOPMed 0.00001.
gnomAD v4.1: 18 of 1,613,564 alleles (0.0011%); highest among the groups gnomAD compares: Admixed American, 0.0017%; no homozygotes.

Submissions (2):

Ambry Genetics
Classification: Uncertain significance for Inborn genetic diseases. Last evaluated: 2024-06-07. Review status: criteria provided, single submitter. Criteria: Ambry Variant Classification Scheme 2023. Collection method: clinical testing. Allele origin: germline.

Labcorp Genetics (formerly Invitae), Labcorp
Classification: Uncertain significance for Joubert syndrome 8. Last evaluated: 2022-02-25. Review status: criteria provided, single submitter. Criteria: Invitae Variant Classification Sherloc (09022015). Collection method: clinical testing. Allele origin: germline.
Comment: This variant has not been reported in the literature in individuals affected with ARL13B-related conditions. This variant is present in population databases (rs776646616, gnomAD 0.003%). This sequence change replaces phenylalanine, which is neutral and non-polar, with leucine, which is neutral and non-polar, at codon 65 of the ARL13B protein (p.Phe65Leu). Algorithms developed to predict the effect of missense changes on protein structure and function are either unavailable or do not agree on the potential impact of this missense change (SIFT: "Tolerated"; PolyPhen-2: "Possibly Damaging"; Align-GVGD: "Class C0"). In summary, the available evidence is currently insufficient to determine the role of this variant in disease. Therefore, it has been classified as a Variant of Uncertain Significance.